The following is an entry in ClinVar:

NM_206933.4(USH2A):c.14413G>A (p.Val4805Ile)

Gene: USH2A (usherin; minus strand). Cytogenetic location: 1q41.
Variant type: single nucleotide variant.
Coding change: c.14413G>A on transcript NM_206933.4 (MANE Select); coding-DNA position 14413, G replaced by A.
Protein change: p.Val4805Ile; replaces valine 4805 with isoleucine.
Molecular consequence: missense variant.
Genome position (GRCh38, 1-based): chr1:215,648,697, C>T on the plus strand (G>A on the coding strand, the complement: USH2A is on the minus strand). VCF-style: chr1-215648697-C-T. GRCh37 (hg19) VCF-style: chr1-215822039-C-T.
Other names: short protein forms V4805I.
Identifiers: ClinVar variation 806348 (VCV000806348.65), dbSNP rs147532612, ClinGen allele CA1393022.

ClinVar aggregate classification (germline): Conflicting classifications of pathogenicity. Review status: criteria provided, conflicting classifications (1 of 4 stars). 9 submissions from 9 submitters: Uncertain significance (5); Likely benign (1). 3 of the submissions do not count toward it. Last evaluated 2026-03-12.

Conditions:
USH2A-related disorder. Also called: USH2A-related condition; USH2A-related disorders. Identifiers: MedGen CN239332.
Usher syndrome type 2A. Also called: USHER SYNDROME, TYPE IIA; RETINAL DISEASE IN USHER SYNDROME TYPE IIA, MODIFIER OF. Identifiers: Orphanet 231178, Orphanet 886, MedGen C1848634, MONDO:0010169, OMIM 276901.

Allele frequency attached by ClinVar (database versions not stated): gnomAD exomes 0.00008 and 0.00023; ExAC 0.00015; ESP Exome Variant Server 0.00015; 1000 Genomes Project 30x 0.00016; gnomAD 0.00017 and 0.00018; 1000 Genomes Project 0.00020; TOPMed 0.00031.
gnomAD v4.1: 169 of 1,614,206 alleles (0.01%); highest among the groups gnomAD compares: Admixed American, 0.09%; 1 homozygote.

Submissions (9):

PreventionGenetics, part of Exact Sciences
Classification: Uncertain significance for USH2A-related condition. Last evaluated: 2026-03-12. Review status: criteria provided, single submitter. Criteria: ACMG Guidelines, 2015. Collection method: clinical testing. Allele origin: germline.
Comment: The USH2A c.14413G>A variant is predicted to result in the amino acid substitution p.Val4805Ile. This variant was reported in large cohorts of individuals with retinal disease (supplementary data, Diñeiro et al. 2020. PubMed ID: 32483926; supplementary data, Reurink et al. 2023. PubMed ID: 36785559). However, this variant is reported in 0.090% of alleles in individuals of Latino descent in gnomAD, which may be too frequent to be a primary cause of disease. Although we suspect that this variant may be benign, at this time, the clinical significance of this variant is uncertain due to the absence of conclusive functional and genetic evidence.

Labcorp Genetics (formerly Invitae), Labcorp
Classification: Likely benign. Last evaluated: 2026-02-01. Review status: criteria provided, single submitter. Criteria: Invitae Variant Classification Sherloc (09022015). Collection method: clinical testing. Allele origin: germline.

GeneDx
Classification: Uncertain significance. Last evaluated: 2025-07-11. Review status: criteria provided, single submitter. Criteria: GeneDx Variant Classification Process June 2021. Collection method: clinical testing. Allele origin: germline. Affected: yes.
Comment: In silico analysis suggests that this missense variant does not alter protein structure/function; This variant is associated with the following publications: (PMID: 35315053, 32483926, 36785559, 40069133)

Blueprint Genetics
Classification: Uncertain significance. Last evaluated: 2024-06-10. Review status: criteria provided, single submitter. Criteria: ACMG Guidelines, 2015. Collection method: clinical testing. Allele origin: germline.

ARUP Laboratories, Molecular Genetics and Genomics, ARUP Laboratories
Classification: Uncertain significance. Last evaluated: 2020-07-09. Review status: criteria provided, single submitter. Criteria: ARUP Molecular Germline Variant Investigation Process. Collection method: clinical testing. Allele origin: germline.
Comment: The USH2A c.14413G>A; p.Val4805Ile variant (rs147532612), to our knowledge, is not reported in the medical literature but is reported in ClinVar (Variation ID: 806348). This variant is found in the Latino population with an overall allele frequency of 0.09% (32/35438 alleles) in the Genome Aggregation Database. The valine at codon 4805 is moderately conserved, and computational analyses (SIFT, PolyPhen-2) predict that this variant is tolerated. However, given the lack of clinical and functional data, the significance of the p.Val4805Ile variant is uncertain at this time.

CeGaT Center for Human Genetics Tuebingen
Classification: Uncertain significance. Last evaluated: 2019-05-01. Review status: criteria provided, single submitter. Criteria: CeGaT Center For Human Genetics Tuebingen Variant Classification Criteria Version 2. Collection method: clinical testing. Allele origin: germline. Affected: yes. Observed: 1 variant allele.

Natera, Inc.
Classification: Uncertain significance for Usher syndrome type 2A. Last evaluated: 2019-11-06. Review status: no assertion criteria provided. Collection method: clinical testing. Allele origin: germline. Not counted in ClinVar's aggregate classification.

Clinical Genetics DNA and cytogenetics Diagnostics Lab, Erasmus MC, Erasmus Medical Center
Classification: Uncertain significance. Review status: no assertion criteria provided. Collection method: clinical testing. Allele origin: germline. Affected: yes. Study: VKGL Data-share Consensus. Not counted in ClinVar's aggregate classification.

Clinical Genetics, Academic Medical Center
Classification: Uncertain significance. Review status: no assertion criteria provided. Collection method: clinical testing. Allele origin: germline. Affected: yes. Study: VKGL Data-share Consensus. Not counted in ClinVar's aggregate classification.